The following is an entry in ClinVar:

NM_006922.4(SCN3A):c.130G>T (p.Asp44Tyr)

Gene: SCN3A (sodium voltage-gated channel alpha subunit 3; minus strand). Cytogenetic location: 2q24.3.
Variant type: single nucleotide variant.
Coding change: c.130G>T on transcript NM_006922.4 (MANE Select); coding-DNA position 130, G replaced by T.
Protein change: p.Asp44Tyr; replaces aspartic acid 44 with tyrosine.
Molecular consequence: missense variant.
Genome position (GRCh38, 1-based): chr2:165,176,265, C>A on the plus strand (G>T on the coding strand, the complement: SCN3A is on the minus strand). VCF-style: chr2-165176265-C-A. GRCh37 (hg19) VCF-style: chr2-166032775-C-A.
Other names: c.130G>T, p.Asp44Tyr (NM_001081676.2, NM_001081677.2); short protein forms D44Y.
Identifiers: ClinVar variation 846690 (VCV000846690.10), dbSNP rs1559264055, ClinGen allele CA349241002.
Genomic context (GRCh38, chr2:165,176,265, plus strand): 5'-TAAATGGAAGGTTCTTTCCAGCTTCCAAGTCACTATTTGGCTTTGGTTTGTTCTCATCAT[C>A]ATTATCTTGTTCCTTTTTGGGCTTCTTGGCTTTCTCTTCTGCAGCACGTTTTTCGATAGC-3'
Protein context (NP_008853.3, residues 34-54): AKKPKKEQDN[Asp44Tyr]DENKPKPNSD

ClinVar aggregate classification (germline): Uncertain significance. Review status: criteria provided, multiple submitters, no conflicts (2 of 4 stars). 2 submissions from 2 submitters: Uncertain significance (2). Last evaluated 2024-10-15.

Allele frequency attached by ClinVar (database versions not stated): gnomAD exomes below 0.00001.
gnomAD v4.1: 2 of 1,613,994 alleles (0.00012%); highest among the groups gnomAD compares: Non-Finnish European, 0.00017%; no homozygotes.

Submissions (2):

Labcorp Genetics (formerly Invitae), Labcorp
Classification: Uncertain significance. Last evaluated: 2024-10-15. Review status: criteria provided, single submitter. Criteria: Invitae Variant Classification Sherloc (09022015). Collection method: clinical testing. Allele origin: germline.
Comment: This sequence change replaces aspartic acid, which is acidic and polar, with tyrosine, which is neutral and polar, at codon 44 of the SCN3A protein (p.Asp44Tyr). This variant is present in population databases (no rsID available, gnomAD 0.0009%). This variant has not been reported in the literature in individuals affected with SCN3A-related conditions. ClinVar contains an entry for this variant (Variation ID: 846690). Invitae Evidence Modeling of protein sequence and biophysical properties (such as structural, functional, and spatial information, amino acid conservation, physicochemical variation, residue mobility, and thermodynamic stability) indicates that this missense variant is not expected to disrupt SCN3A protein function with a negative predictive value of 80%. In summary, the available evidence is currently insufficient to determine the role of this variant in disease. Therefore, it has been classified as a Variant of Uncertain Significance.

GeneDx
Classification: Uncertain significance. Last evaluated: 2024-09-22. Review status: criteria provided, single submitter. Criteria: GeneDx Variant Classification Process June 2021. Collection method: clinical testing. Allele origin: germline. Affected: yes.
Comment: Not observed at significant frequency in large population cohorts (gnomAD); In silico analysis supports that this missense variant has a deleterious effect on protein structure/function; Has not been previously published as pathogenic or benign to our knowledge